The following is an entry in ClinVar:

NM_015559.3(SETBP1):c.3593C>T (p.Pro1198Leu)

Gene: SETBP1 (SET binding protein 1; plus strand). Cytogenetic location: 18q12.3.
Variant type: single nucleotide variant.
Coding change: c.3593C>T on transcript NM_015559.3 (MANE Select); coding-DNA position 3593, C replaced by T.
Protein change: p.Pro1198Leu; replaces proline 1198 with leucine.
Molecular consequence: missense variant.
Genome position (GRCh38, 1-based): chr18:44,952,933, C>T. VCF-style: chr18-44952933-C-T. GRCh37 (hg19) VCF-style: chr18-42532898-C-T.
Other names: short protein forms P1198L.
Identifiers: ClinVar variation 714221 (VCV000714221.12), dbSNP rs200960707, ClinGen allele CA8945938.

ClinVar aggregate classification (germline): Conflicting classifications of pathogenicity. Review status: criteria provided, conflicting classifications (1 of 4 stars). 4 submissions from 4 submitters: Uncertain significance (1); Benign (1); Likely benign (1). 1 of the submissions does not count toward it. Last evaluated 2025-08-29.

Conditions:
SETBP1-related disorder. Also called: SETBP1-related condition; SETBP1-related disorders.
Intellectual developmental disorder, autosomal dominant 29. Also called: SETBP1 Haploinsufficiency Disorder; Intellectual disability, autosomal dominant 29. Identifiers: Orphanet 436151, MedGen C4015141, MONDO:0014482, OMIM 616078.

Allele frequency attached by ClinVar (database versions not stated): gnomAD exomes 0.00011; gnomAD 0.00009 and 0.00012; 1000 Genomes Project 0.00080; ExAC 0.00008; TOPMed 0.00006; 1000 Genomes Project 30x 0.00094.
gnomAD v4.1: 152 of 1,614,118 alleles (0.0094%); highest among the groups gnomAD compares: East Asian, 0.038%; no homozygotes.

Submissions (4):

Labcorp Genetics (formerly Invitae), Labcorp
Classification: Benign. Last evaluated: 2025-08-29. Review status: criteria provided, single submitter. Criteria: Invitae Variant Classification Sherloc (09022015). Collection method: clinical testing. Allele origin: germline.

Blueprint Genetics
Classification: Likely benign. Last evaluated: 2024-09-10. Review status: criteria provided, single submitter. Criteria: ACMG Guidelines, 2015. Collection method: clinical testing. Allele origin: germline.

New York Genome Center
Classification: Uncertain significance for Intellectual developmental disorder, autosomal dominant 29. Last evaluated: 2019-10-11. Review status: criteria provided, single submitter. Criteria: NYGC Assertion Criteria 2020. Collection method: clinical testing. Allele origin: germline. Inheritance: Autosomal dominant inheritance. Observed: 1 heterozygote. Study: CSER-NYCKidSeq.

PreventionGenetics, part of Exact Sciences
Classification: Likely benign for SETBP1-related condition. Last evaluated: 2024-08-06. Review status: no assertion criteria provided. Collection method: clinical testing. Allele origin: germline. Not counted in ClinVar's aggregate classification.
Comment: This variant is classified as likely benign based on ACMG/AMP sequence variant interpretation guidelines (Richards et al. 2015 PMID: 25741868, with internal and published modifications).